The following continues an entry in ClinVar:

NM_000070.3(CAPN3):c.598_612del (p.Phe200_Leu204del)

Gene: CAPN3. ClinVar aggregate classification (germline): Pathogenic. Pathogenic (1).

Submissions 12 to 18 of 18:

Mayo Clinic Laboratories, Mayo Clinic
Classification: Pathogenic. Last evaluated: 2022-02-11. Review status: criteria provided, single submitter. Criteria: ACMG Guidelines, 2015. Collection method: clinical testing. Allele origin: germline. Observed: 1 variant allele. Not counted in ClinVar's aggregate classification.
Comment: PP1, PP4_moderate, PM2, PM3_strong, PM4, PS4_moderate

MGZ Medical Genetics Center
Classification: Pathogenic for Autosomal recessive limb-girdle muscular dystrophy type 2A. Last evaluated: 2021-10-18. Review status: criteria provided, single submitter. Criteria: ACMG Guidelines, 2015. Collection method: clinical testing. Allele origin: germline. Affected: yes. Observed: 2 variant alleles. Not counted in ClinVar's aggregate classification.
Comment: ACMG criteria applied: PS1, PS4_MOD, PM2_SUP_MOD, PM3, PM4

GeneDx
Classification: Pathogenic. Last evaluated: 2021-09-10. Review status: criteria provided, single submitter. Criteria: GeneDx Variant Classification Process June 2021. Collection method: clinical testing. Allele origin: germline. Affected: yes. Not counted in ClinVar's aggregate classification.
Comment: In-frame deletion of 5 amino acids in a non-repeat region predicted to critically alter the protein; In silico analysis supports a deleterious effect on protein structure/function; This variant is associated with the following publications: (PMID: 15733273, 15221789, 16141003, 34720847, 34863162, 30919934, 31589614, 32528171, 9452114, 33107701, 27447704, 16372320, 17236769, 10330340, 10679950, 14981715, 17994539, 15351423, 25135358, 17157502, 34426522, 16100770)

Athena Diagnostics
Classification: Pathogenic. Last evaluated: 2021-01-25. Review status: criteria provided, single submitter. Criteria: Athena Diagnostics criteria. Collection method: clinical testing. Allele origin: unknown. Not counted in ClinVar's aggregate classification.
Comment: This variant is statistically more frequent in affected individuals than in the general population and/or healthy controls. In multiple individuals, this variant has been seen with a single recessive pathogenic variant in the same gene, suggesting this variant may also be pathogenic.

Eurofins Ntd Llc (ga)
Classification: Pathogenic. Last evaluated: 2018-06-25. Review status: criteria provided, single submitter. Criteria: EGL ClinVar v180209 classification definitions. Collection method: clinical testing. Allele origin: germline. Observed: 23 variant alleles, 23 heterozygotes. Not counted in ClinVar's aggregate classification.

Blueprint Genetics
Classification: Pathogenic for CAPN3-related disorders. Last evaluated: 2018-06-01. Review status: criteria provided, single submitter. Criteria: ACMG Guidelines, 2015. Collection method: clinical testing. Allele origin: germline. Affected: yes. Observed: 5 variant alleles. Not counted in ClinVar's aggregate classification.

Clinical Genetics Service, Universitary Hospital 12 de Octubre
Classification: Pathogenic for Muscular dystrophy, limb-girdle, autosomal dominant 4. Review status: criteria provided, single submitter. Criteria: ACMG Guidelines, 2015. Collection method: clinical testing. Allele origin: germline. Affected: yes. Not counted in ClinVar's aggregate classification.

Literature cited by the submitters: PubMed 16372320 (cited by 3 submitters); PubMed 30564623 (cited by Dasa and Natera, Inc.); PubMed 33107701 (cited by Dasa and Mayo Clinic Laboratories, Mayo Clinic); PubMed 15733273 (cited by 5 submitters); PubMed 9452114 (cited by 5 submitters); PubMed 16141003 (cited by 4 submitters); PubMed 18854869 (cited by Labcorp Genetics (formerly Invitae), Labcorp); PubMed 25135358 (cited by 4 submitters); PubMed 10679950 (cited by Mayo Clinic Laboratories, Mayo Clinic and Eurofins Ntd Llc (ga)); PubMed 17157502 (cited by Mayo Clinic Laboratories, Mayo Clinic and Athena Diagnostics); PubMed 17994539 (cited by Mayo Clinic Laboratories, Mayo Clinic and Athena Diagnostics); PubMed 30919934 (cited by Mayo Clinic Laboratories, Mayo Clinic); PubMed 31589614 (cited by Mayo Clinic Laboratories, Mayo Clinic); PubMed 32528171 (cited by Mayo Clinic Laboratories, Mayo Clinic); PubMed 34426522 (cited by Mayo Clinic Laboratories, Mayo Clinic); PubMed 27447704 (cited by Athena Diagnostics); PubMed 27558075 (cited by Athena Diagnostics); PubMed 27259757 (cited by Athena Diagnostics).